The following is an entry in ClinVar:

NM_001370259.2(MEN1):c.1394C>T (p.Ala465Val)

Gene: MEN1 (menin 1; minus strand). Cytogenetic location: 11q13.1.
Variant type: single nucleotide variant.
Coding change: c.1394C>T on transcript NM_001370259.2 (MANE Select); coding-DNA position 1394, C replaced by T.
Protein change: p.Ala465Val; replaces alanine 465 with valine.
Molecular consequence: missense variant. On other transcripts: non-coding transcript variant (4).
Genome position (GRCh38, 1-based): chr11:64,804,773, G>A on the plus strand (C>T on the coding strand, the complement: MEN1 is on the minus strand). VCF-style: chr11-64804773-G-A. GRCh37 (hg19) VCF-style: chr11-64572245-G-A.
Other names: c.1409C>T, p.Ala470Val (NM_001407145.1, NM_130800.3, NM_130801.3 and 4 more transcripts); c.1394C>T, p.Ala465Val (NM_001407146.1, NM_001407147.1, NM_130799.3 and 2 more transcripts); c.1289C>T, p.Ala430Val (NM_001407148.1, NM_001407149.1, NM_001370262.2 and 1 more transcripts); c.1535C>T, p.Ala512Val (NM_001407150.1); c.1415C>T, p.Ala472Val (NM_001407151.1); c.1229C>T, p.Ala410Val (NM_001407152.1); c.1520C>T, p.Ala507Val (NM_001370251.2, NM_001407142.1, NM_001407143.1 and 1 more transcripts); short protein forms A512V, A410V, A472V, A507V, A430V, A465V, A470V.
Identifiers: ClinVar variation 3707942 (VCV003707942.3).

ClinVar aggregate classification (germline): Conflicting classifications of pathogenicity. Review status: criteria provided, conflicting classifications (1 of 4 stars). 2 submissions from 2 submitters: Uncertain significance (1); Likely benign (1). Last evaluated 2026-08-18.

Conditions:
Multiple endocrine neoplasia, type 1 (MEN1). Also called: MEN I; WERMER SYNDROME; Endocrine adenomatosis multiple; MEN 1; MEA I. Identifiers: Orphanet 652, MedGen C0025267, MeSH D018761, MONDO:0007540, OMIM 131100.
Hereditary cancer-predisposing syndrome. Also called: Tumor predisposition; Hereditary neoplastic syndrome; Hereditary Cancer Syndrome; Neoplastic Syndromes, Hereditary. Identifiers: Orphanet 140162, MedGen C0027672, MeSH D009386, MONDO:0015356.

gnomAD v4.1: 2 of 1,596,778 alleles (0.00013%); highest among the groups gnomAD compares: South Asian, 0.0011%; no homozygotes.

Submissions (2):

Ambry Genetics
Classification: Uncertain significance for Hereditary cancer-predisposing syndrome. Last evaluated: 2026-08-18. Review status: criteria provided, single submitter. Criteria: Ambry Variant Classification Scheme 2023. Collection method: clinical testing. Allele origin: germline.
Comment: The p.A465V variant (also known as c.1394C>T), located in coding exon 9 of the MEN1 gene, results from a C to T substitution at nucleotide position 1394. The alanine at codon 465 is replaced by valine, an amino acid with similar properties. This amino acid position is well conserved in available vertebrate species. In addition, this alteration is predicted to be tolerated by in silico analysis. Based on the available evidence, the clinical significance of this variant remains unclear.

Labcorp Genetics (formerly Invitae), Labcorp
Classification: Likely benign for Multiple endocrine neoplasia, type 1. Last evaluated: 2024-02-14. Review status: criteria provided, single submitter. Criteria: Invitae Variant Classification Sherloc (09022015). Collection method: clinical testing. Allele origin: germline.